The following is an entry in ClinVar:

NM_001243133.2(NLRP3):c.2322-182G>A

Gene: NLRP3 (NLR family pyrin domain containing 3; plus strand). Cytogenetic location: 1q44.
Variant type: single nucleotide variant.
Coding change: c.2322-182G>A on transcript NM_001243133.2 (MANE Select); 182 bases into the intron before coding-DNA position 2322, G replaced by A.
Molecular consequence: intron variant.
Genome position (GRCh38, 1-based): chr1:247,433,921, G>A. VCF-style: chr1-247433921-G-A. GRCh37 (hg19) VCF-style: chr1-247597223-G-A.
Other names: NC_000001.10:g.247597223G>A; c.2328-182G>A (NM_004895.5); c.2322-182G>A (NM_001127461.3, NM_001079821.3); c.2151-182G>A (NM_001127462.3, NM_183395.3).
Identifiers: ClinVar variation 2628164 (VCV002628164.3), dbSNP rs111632834, ClinGen allele CA40703422.
Genomic context (GRCh38, chr1:247,433,921, plus strand): 5'-TGATGCTTTCTCTATTCTGGAGCTCTCTGGTCAGATGTGTTCTGATGCTTTCTCTATTCC[G>A]GAGCTCTCTGGTCAGGTGTGTTCTGATGCTTTCTGTATTCCGGAGCTCTCTGATCAGATG-3'

ClinVar aggregate classification (germline): Benign (1 of 4 stars; one submission).

Submissions (3):

Unidad de Genómica Garrahan, Hospital de Pediatría Garrahan
Classification: Benign. Last evaluated: 2023-11-12. Review status: criteria provided, single submitter. Criteria: ACMG Guidelines, 2015. Collection method: clinical testing. Allele origin: germline. Affected: no. Observed: 52 variant alleles.
Comment: This variant is classified as Benign based on local population frequency. This variant was detected in 54% of patients studied by a panel of primary immunodeficiencies. Number of patients: 52. Only high quality variants are reported.

Dr. Peter K. Rogan Lab, Western University
No classification provided (evidence only). Condition: Cholangiocarcinoma. Review status: no classification provided. Collection method: in vitro. Allele origin: not applicable. Functional consequence: retained intron. Not counted in ClinVar's aggregate classification.

Dr. Peter K. Rogan Lab, Western University
No classification provided (evidence only). Condition: Cholangiocarcinoma. Review status: no classification provided. Collection method: in vitro. Allele origin: not applicable. Functional consequence: retained intron. Not counted in ClinVar's aggregate classification.